The following is an entry in ClinVar:

ClinVar aggregate classification (germline): Likely pathogenic (1 of 4 stars; one submission).

Conditions:
Neuronopathy, distal hereditary motor, autosomal recessive 5. Also called: NEUROPATHY, DISTAL HEREDITARY MOTOR, AUTOSOMAL RECESSIVE 5; Young adult-onset distal hereditary motor neuropathy; Spinal muscular atrophy, distal, autosomal recessive, 5. Identifiers: Orphanet 314485, Orphanet 443950, MedGen C4749918, MONDO:0013947, OMIM 614881.

Submission:

Labcorp Genetics (formerly Invitae), Labcorp
Classification: Likely pathogenic for Neuronopathy, distal hereditary motor, autosomal recessive 5. Last evaluated: 2023-11-25. Review status: criteria provided, single submitter. Criteria: Invitae Variant Classification Sherloc (09022015). Collection method: clinical testing. Allele origin: germline.
Comment: This sequence change affects a donor splice site in intron 6 of the DNAJB2 gene. It is expected to disrupt RNA splicing. Variants that disrupt the donor or acceptor splice site typically lead to a loss of protein function (PMID: 16199547), and loss-of-function variants in DNAJB2 are known to be pathogenic (PMID: 22522442, 25274842). This variant is not present in population databases (gnomAD no frequency). This variant has not been reported in the literature in individuals affected with DNAJB2-related conditions. Algorithms developed to predict the effect of sequence changes on RNA splicing suggest that this variant may disrupt the consensus splice site. In summary, the currently available evidence indicates that the variant is pathogenic, but additional data are needed to prove that conclusively. Therefore, this variant has been classified as Likely Pathogenic.

Literature cited by the submitters: PubMed 16199547; PubMed 22522442; PubMed 25274842.

NM_006736.6(DNAJB2):c.445+1G>A

Gene: DNAJB2 (DnaJ heat shock protein family (Hsp40) member B2; plus strand). Cytogenetic location: 2q35.
Variant type: single nucleotide variant.
Coding change: c.445+1G>A on transcript NM_006736.6 (MANE Select); the canonical splice donor site of the intron after coding-DNA position 445, G replaced by A.
Molecular consequence: splice donor variant.
Genome position (GRCh38, 1-based): chr2:219,282,930, G>A. VCF-style: chr2-219282930-G-A. GRCh37 (hg19) VCF-style: chr2-220147652-G-A.
Other names: c.445+1G>A (NM_001039550.2).
Identifiers: ClinVar variation 2696517 (VCV002696517.3), dbSNP rs368547938, ClinGen allele CA350649972.